The following is an entry in ClinVar:

NM_015122.3(FCHO1):c.1723C>T (p.Arg575Cys)

Gene: FCHO1 (FCH and mu domain containing endocytic adaptor 1; plus strand). Cytogenetic location: 19p13.11.
Variant type: single nucleotide variant.
Coding change: c.1723C>T on transcript NM_015122.3 (MANE Select); coding-DNA position 1723, C replaced by T.
Protein change: p.Arg575Cys; replaces arginine 575 with cysteine.
Molecular consequence: missense variant. On other transcripts: non-coding transcript variant (36).
Genome position (GRCh38, 1-based): chr19:17,781,326, C>T. VCF-style: chr19-17781326-C-T. GRCh37 (hg19) VCF-style: chr19-17892135-C-T.
Other names: c.1723C>T, p.Arg575Cys (NM_001161357.2, NM_001161358.2, NM_001384370.1 and 13 more transcripts); c.1573C>T, p.Arg525Cys (NM_001161359.2, NM_001384384.1, NM_001384385.1 and 1 more transcripts); c.1684C>T, p.Arg562Cys (NM_001384388.1, NM_001384389.1, NM_001384405.1); c.1648C>T, p.Arg550Cys (NM_001384390.1); c.1606C>T, p.Arg536Cys (NM_001384392.1, NM_001384393.1, NM_001384394.1 and 1 more transcripts); c.1447C>T, p.Arg483Cys (NM_001384396.1, NM_001384397.1, NM_001384398.1 and 5 more transcripts); c.1402C>T, p.Arg468Cys (NM_001384403.1); c.1297C>T, p.Arg433Cys (NM_001384406.1); and 1 more; short protein forms R536C, R385C, R483C, R575C, R550C, R433C, R468C, R525C.
Identifiers: ClinVar variation 2992190 (VCV002992190.2), dbSNP rs548606325, ClinGen allele CA9300593.
Genomic context (GRCh38, chr19:17,781,326, plus strand): 5'-GAGGGCCTGGCAGCCCCACCCAGGAGACTTCGCTCTAGGAAGGTGTCCTGCCCTCTCACA[C>T]GTAGCAATGGGGACCTGGTAGGTGAGGGGGCGTGGCAGGAGCTGGACTGGGGGTCGCGTC-3'
Protein context (NP_055937.1, residues 565-585): RSRKVSCPLT[Arg575Cys]SNGDLSRSLS

ClinVar aggregate classification (germline): Uncertain significance (1 of 4 stars; one submission).

Allele frequency attached by ClinVar (database versions not stated): TOPMed below 0.00001; gnomAD 0.00001; ExAC 0.00002; 1000 Genomes Project 30x 0.00016; 1000 Genomes Project 0.00020.
gnomAD v4.1: 26 of 1,613,814 alleles (0.0016%); highest among the groups gnomAD compares: Admixed American, 0.0067%; no homozygotes.

Submission:

Labcorp Genetics (formerly Invitae), Labcorp
Classification: Uncertain significance. Last evaluated: 2023-05-23. Review status: criteria provided, single submitter. Criteria: Invitae Variant Classification Sherloc (09022015). Collection method: clinical testing. Allele origin: germline.
Comment: This sequence change replaces arginine, which is basic and polar, with cysteine, which is neutral and slightly polar, at codon 575 of the FCHO1 protein (p.Arg575Cys). In summary, the available evidence is currently insufficient to determine the role of this variant in disease. Therefore, it has been classified as a Variant of Uncertain Significance. An algorithm developed to predict the effect of missense changes on protein structure and function (PolyPhen-2) suggests that this variant is likely to be disruptive. This variant has not been reported in the literature in individuals affected with FCHO1-related conditions. This variant is present in population databases (rs548606325, gnomAD 0.006%).